The following is an entry in ClinVar:

NM_006245.4(PPP2R5D):c.1773G>A (p.Ala591=)

Genes: MEA1 (male-enhanced antigen 1; minus strand), PPP2R5D (protein phosphatase 2 regulatory subunit B'delta; plus strand). Cytogenetic location: 6p21.1.
Variant type: single nucleotide variant.
Coding change: c.1773G>A on transcript NM_006245.4 (MANE Select); coding-DNA position 1773, G replaced by A.
Protein change: p.Ala591=; no amino-acid change (alanine 591 retained).
Molecular consequence: synonymous variant. On other transcripts: 3 prime UTR variant (1).
Genome position (GRCh38, 1-based): chr6:43,011,250, G>A. VCF-style: chr6-43011250-G-A. GRCh37 (hg19) VCF-style: chr6-42978988-G-A.
Other names: c.*1220C>T (NM_014623.4); c.1320G>A, p.Ala440= (NM_001270476.2); c.1677G>A, p.Ala559= (NM_180976.3); c.1455G>A, p.Ala485= (NM_180977.3).
Identifiers: ClinVar variation 1232946 (VCV001232946.34), dbSNP rs146155532, ClinGen allele CA3812169.

ClinVar aggregate classification (germline): Benign/Likely benign. Review status: criteria provided, multiple submitters, no conflicts (2 of 4 stars). 3 submissions from 3 submitters: Benign (1); Likely benign (2). Last evaluated 2026-01-25.

Allele frequency attached by ClinVar (database versions not stated): ExAC 0.00006; gnomAD exomes 0.00006; gnomAD 0.00023 and 0.00027; TOPMed 0.00033; ESP Exome Variant Server 0.00038.
gnomAD v4.1: 77 of 1,614,070 alleles (0.0048%); highest among the groups gnomAD compares: African/African-American, 0.063%; no homozygotes.

Submissions (3):

Labcorp Genetics (formerly Invitae), Labcorp
Classification: Likely benign. Last evaluated: 2026-01-25. Review status: criteria provided, single submitter. Criteria: Invitae Variant Classification Sherloc (09022015). Collection method: clinical testing. Allele origin: germline.

CeGaT Center for Human Genetics Tuebingen
Classification: Likely benign. Last evaluated: 2025-06-01. Review status: criteria provided, single submitter. Criteria: CeGaT Center For Human Genetics Tuebingen Variant Classification Criteria Version 2. Collection method: clinical testing. Allele origin: germline. Affected: yes. Observed: 2 variant alleles.
Comment: PPP2R5D: BP4, BP7

GeneDx
Classification: Benign. Last evaluated: 2018-10-26. Review status: criteria provided, single submitter. Criteria: GeneDx Variant Classification Process June 2021. Collection method: clinical testing. Allele origin: germline. Affected: yes.